The following is an entry in ClinVar:

NM_001040108.2(MLH3):c.2670G>T (p.Met890Ile)

Gene: MLH3 (mutL homolog 3; minus strand). Cytogenetic location: 14q24.3.
Variant type: single nucleotide variant.
Coding change: c.2670G>T on transcript NM_001040108.2 (MANE Select); coding-DNA position 2670, G replaced by T.
Protein change: p.Met890Ile; replaces methionine 890 with isoleucine.
Molecular consequence: missense variant.
Genome position (GRCh38, 1-based): chr14:75,046,986, C>A on the plus strand (G>T on the coding strand, the complement: MLH3 is on the minus strand). VCF-style: chr14-75046986-C-A. GRCh37 (hg19) VCF-style: chr14-75513689-C-A.
Other names: c.2670G>T, p.Met890Ile (NM_014381.3); short protein forms M890I.
Identifiers: ClinVar variation 1794548 (VCV001794548.2), dbSNP rs147021156, ClinGen allele CA390439126.

ClinVar aggregate classification (germline): Uncertain significance (1 of 4 stars; one submission).

Submission:

Ambry Genetics
Classification: Uncertain significance. Last evaluated: 2022-03-23. Review status: criteria provided, single submitter. Criteria: Ambry Variant Classification Scheme 2023. Collection method: clinical testing. Allele origin: germline.
Comment: The p.M890I variant (also known as c.2670G>T), located in coding exon 1 of the MLH3 gene, results from a G to T substitution at nucleotide position 2670. The methionine at codon 890 is replaced by isoleucine, an amino acid with highly similar properties. This amino acid position is conserved. In addition, this alteration is predicted to be tolerated by in silico analysis. Since supporting evidence is limited at this time, the clinical significance of this alteration remains unclear.